The following is an entry in ClinVar:

NM_000548.5(TSC2):c.376G>T (p.Val126Phe)

Gene: TSC2 (TSC complex subunit 2; plus strand). Cytogenetic location: 16p13.3.
Variant type: single nucleotide variant.
Coding change: c.376G>T on transcript NM_000548.5 (MANE Select); coding-DNA position 376, G replaced by T.
Protein change: p.Val126Phe; replaces valine 126 with phenylalanine.
Molecular consequence: missense variant. On other transcripts: intron variant (1).
Genome position (GRCh38, 1-based): chr16:2,054,335, G>T. VCF-style: chr16-2054335-G-T. GRCh37 (hg19) VCF-style: chr16-2104336-G-T.
Other names: c.376G>T, p.Val126Phe (NM_001077183.3, NM_001114382.3, NM_001363528.2 and 3 more transcripts); c.265G>T, p.Val89Phe (NM_001318827.2); c.229G>T, p.Val77Phe (NM_001318829.2); c.409G>T, p.Val137Phe (NM_001318832.2); c.-1-1861G>T (NM_001318831.2); short protein forms V77F, V89F, V126F, V137F.
Identifiers: ClinVar variation 967345 (VCV000967345.10), dbSNP rs1458070269, ClinGen allele CA394306763.
Genomic context (GRCh38, chr16:2,054,335, plus strand): 5'-TCCTGTGGCTTTTGTCTTTAGGGCGAGCGTTTGGGGGTCCTCAGAGCCCTCTTCTTTAAG[G>T]TCATCAAGGATTACCCTTCCAACGAAGACCTTCACGAAAGGCTGGAGGTTTTCAAGGCCC-3'
Protein context (NP_000539.2, residues 116-136): LGVLRALFFK[Val126Phe]IKDYPSNEDL

ClinVar aggregate classification (germline): Uncertain significance. Review status: criteria provided, multiple submitters, no conflicts (2 of 4 stars). 2 submissions from 2 submitters: Uncertain significance (2). Last evaluated 2025-05-27.

Conditions:
Hereditary cancer-predisposing syndrome. Also called: Hereditary neoplastic syndrome; Hereditary Cancer Syndrome; Tumor predisposition; Neoplastic Syndromes, Hereditary. Identifiers: Orphanet 140162, MedGen C0027672, MeSH D009386, MONDO:0015356.
Tuberous sclerosis 2 (TSC2). Identifiers: Orphanet 805, MedGen C1860707, MONDO:0013199, OMIM 613254.

Submissions (2):

Ambry Genetics
Classification: Uncertain significance for Hereditary cancer-predisposing syndrome. Last evaluated: 2025-05-27. Review status: criteria provided, single submitter. Criteria: Ambry Variant Classification Scheme 2023. Collection method: clinical testing. Allele origin: germline.
Comment: The p.V126F variant (also known as c.376G>T), located in coding exon 4 of the TSC2 gene, results from a G to T substitution at nucleotide position 376. The valine at codon 126 is replaced by phenylalanine, an amino acid with highly similar properties. This variant was reported in individual(s) with features consistent with tuberous sclerosis complex (Kwiatkowski DJ et al. Eur J Hum Genet, 2015 Dec;23:1665-72). This amino acid position is well conserved in available vertebrate species. In addition, the in silico prediction for this alteration is inconclusive. Based on the available evidence, the clinical significance of this variant remains unclear.

Labcorp Genetics (formerly Invitae), Labcorp
Classification: Uncertain significance for Tuberous sclerosis 2. Last evaluated: 2023-12-13. Review status: criteria provided, single submitter. Criteria: Invitae Variant Classification Sherloc (09022015). Collection method: clinical testing. Allele origin: germline.
Comment: This sequence change replaces valine, which is neutral and non-polar, with phenylalanine, which is neutral and non-polar, at codon 126 of the TSC2 protein (p.Val126Phe). This variant is not present in population databases (gnomAD no frequency). This missense change has been observed in individual(s) with clinical features of tuberous sclerosis (PMID: 25782670). ClinVar contains an entry for this variant (Variation ID: 967345). Advanced modeling of protein sequence and biophysical properties (such as structural, functional, and spatial information, amino acid conservation, physicochemical variation, residue mobility, and thermodynamic stability) performed at Invitae indicates that this missense variant is not expected to disrupt TSC2 protein function with a negative predictive value of 95%. RNA analysis performed to evaluate the impact of this missense change on mRNA splicing indicates it does not significantly alter splicing (Invitae). In summary, the available evidence is currently insufficient to determine the role of this variant in disease. Therefore, it has been classified as a Variant of Uncertain Significance.

Literature cited by the submitters: PubMed 25782670 (cited by Ambry Genetics and Labcorp Genetics (formerly Invitae), Labcorp).